The following is an entry in ClinVar:

ClinVar aggregate classification (germline): Likely benign. Review status: criteria provided, multiple submitters, no conflicts (2 of 4 stars). 2 submissions from 2 submitters: Likely benign (2). Last evaluated 2026-02-26.

Conditions:
HJV-related disorder. Also called: HJV-related condition.

Allele frequency attached by ClinVar (database versions not stated): ExAC 0.00001; gnomAD exomes 0.00001 and 0.00002; ESP Exome Variant Server 0.00008.

Submissions (2):

PreventionGenetics, part of Exact Sciences
Classification: Likely benign for HJV-related condition. Last evaluated: 2026-02-26. Review status: criteria provided, single submitter. Criteria: ACMG Guidelines, 2015. Collection method: clinical testing. Allele origin: germline.
Comment: This variant is classified as likely benign based on ACMG/AMP sequence variant interpretation guidelines (Richards et al. 2015 PMID: 25741868, with internal and published modifications).

Labcorp Genetics (formerly Invitae), Labcorp
Classification: Likely benign. Last evaluated: 2024-12-08. Review status: criteria provided, single submitter. Criteria: Invitae Variant Classification Sherloc (09022015). Collection method: clinical testing. Allele origin: germline.

NM_213653.4(HJV):c.138C>T (p.Tyr46=)

Gene: HJV (hemojuvelin BMP co-receptor; minus strand). Cytogenetic location: 1q21.1.
Variant type: single nucleotide variant.
Coding change: c.138C>T on transcript NM_213653.4 (MANE Select); coding-DNA position 138, C replaced by T.
Protein change: p.Tyr46=; no amino-acid change (tyrosine 46 retained).
Molecular consequence: synonymous variant. On other transcripts: 5 prime UTR variant (1), intron variant (3).
Genome position (GRCh38, 1-based): chr1:146,019,694, G>A on the plus strand (C>T on the coding strand, the complement: HJV is on the minus strand). VCF-style: chr1-146019694-G-A. GRCh37 (hg19) VCF-style: chr1-145415319-C-T.
Other names: c.138C>T, p.Tyr46= (NM_001379352.1); c.-202C>T (NM_145277.5); c.-21-994C>T (NM_213652.4); c.-22+4C>T (NM_202004.4, NM_001316767.2); c.138C>T (NM_213653.3).
Identifiers: ClinVar variation 1105303 (VCV001105303.8), dbSNP rs150447723, ClinGen allele CA1053756.